The following is an entry in ClinVar:

ClinVar aggregate classification (germline): Uncertain significance (1 of 4 stars; one submission).

Submission:

Labcorp Genetics (formerly Invitae), Labcorp
Classification: Uncertain significance. Last evaluated: 2024-08-12. Review status: criteria provided, single submitter. Criteria: Invitae Variant Classification Sherloc (09022015). Collection method: clinical testing. Allele origin: germline.
Comment: This sequence change replaces glutamic acid, which is acidic and polar, with glycine, which is neutral and non-polar, at codon 1014 of the ERBIN protein (p.Glu1014Gly). This variant is not present in population databases (gnomAD no frequency). This variant has not been reported in the literature in individuals affected with ERBIN-related conditions. An algorithm developed to predict the effect of missense changes on protein structure and function (PolyPhen-2) suggests that this variant is likely to be tolerated. In summary, the available evidence is currently insufficient to determine the role of this variant in disease. Therefore, it has been classified as a Variant of Uncertain Significance.

NM_001253697.2(ERBIN):c.3041A>G (p.Glu1014Gly)

Gene: ERBIN (erbb2 interacting protein; plus strand). Cytogenetic location: 5q12.3.
Variant type: single nucleotide variant.
Coding change: c.3041A>G on transcript NM_001253697.2 (MANE Select); coding-DNA position 3041, A replaced by G.
Protein change: p.Glu1014Gly; replaces glutamic acid 1014 with glycine.
Molecular consequence: missense variant.
Genome position (GRCh38, 1-based): chr5:66,054,359, A>G. VCF-style: chr5-66054359-A-G. GRCh37 (hg19) VCF-style: chr5-65350187-A-G.
Other names: c.3041A>G, p.Glu1014Gly (NM_001253699.2, NM_018695.4, NM_001006600.3 and 1 more transcripts); c.3029A>G, p.Glu1010Gly (NM_001253701.2); short protein forms E1014G, E1010G.
Identifiers: ClinVar variation 3694355 (VCV003694355.2).